The following is an entry in ClinVar:

NM_198253.3(TERT):c.1018C>A (p.Gln340Lys)

Gene: TERT (telomerase reverse transcriptase; minus strand). Cytogenetic location: 5p15.33.
Variant type: single nucleotide variant.
Coding change: c.1018C>A on transcript NM_198253.3 (MANE Select); coding-DNA position 1018, C replaced by A.
Protein change: p.Gln340Lys; replaces glutamine 340 with lysine.
Molecular consequence: missense variant. On other transcripts: non-coding transcript variant (2).
Genome position (GRCh38, 1-based): chr5:1,293,868, G>T on the plus strand (C>A on the coding strand, the complement: TERT is on the minus strand). VCF-style: chr5-1293868-G-T. GRCh37 (hg19) VCF-style: chr5-1293983-G-T.
Other names: c.1018C>A, p.Gln340Lys (NM_001193376.3); short protein forms Q340K.
Identifiers: ClinVar variation 1490984 (VCV001490984.8), dbSNP rs1561213862, ClinGen allele CA359055922.

ClinVar aggregate classification (germline): Uncertain significance (1 of 4 stars; one submission).

Conditions:
Dyskeratosis congenita, autosomal dominant 2. Identifiers: MedGen C3151443, MONDO:0013521, OMIM 613989.
Idiopathic Pulmonary Fibrosis. Also called: Idiopathic fibrosing alveolitis, chronic form; idiopathic fibrosing alveolitis. Identifiers: Orphanet 2032, MedGen C1800706, MeSH D054990, MONDO:0800504.

gnomAD v4.1: 1 of 1,545,002 alleles (0.000065%); highest among the groups gnomAD compares: Non-Finnish European, 0.000087%; no homozygotes.

Submission:

Labcorp Genetics (formerly Invitae), Labcorp
Classification: Uncertain significance for Dyskeratosis congenita, autosomal dominant 2; Idiopathic Pulmonary Fibrosis. Last evaluated: 2021-03-25. Review status: criteria provided, single submitter. Criteria: Invitae Variant Classification Sherloc (09022015). Collection method: clinical testing. Allele origin: germline.
Comment: This sequence change replaces glutamine with lysine at codon 340 of the TERT protein (p.Gln340Lys). The glutamine residue is weakly conserved and there is a small physicochemical difference between glutamine and lysine. In summary, the available evidence is currently insufficient to determine the role of this variant in disease. Therefore, it has been classified as a Variant of Uncertain Significance. Advanced modeling of protein sequence and biophysical properties (such as structural, functional, and spatial information, amino acid conservation, physicochemical variation, residue mobility, and thermodynamic stability) performed at Invitae indicates that this missense variant is not expected to disrupt TERT protein function. This variant has not been reported in the literature in individuals with TERT-related conditions. This variant is not present in population databases (ExAC no frequency).